The following is an entry in ClinVar:

ClinVar aggregate classification (germline): Uncertain significance (1 of 4 stars; one submission).

Allele frequency attached by ClinVar (database versions not stated): TOPMed below 0.00001; gnomAD exomes 0.00001.
gnomAD v4.1: 7 of 1,536,982 alleles (0.00046%); highest among the groups gnomAD compares: Non-Finnish European, 0.00061%; no homozygotes.

Submission:

Ambry Genetics
Classification: Uncertain significance. Last evaluated: 2023-07-27. Review status: criteria provided, single submitter. Criteria: Ambry Variant Classification Scheme 2023. Collection method: clinical testing. Allele origin: germline.
Comment: The c.47A>T (p.D16V) alteration is located in exon (coding exon ) of the USP40 gene. This alteration results from a A to T substitution at nucleotide position 47, causing the aspartic acid (D) at amino acid position 16 to be replaced by a valine (V). Based on insufficient or conflicting evidence, the clinical significance of this alteration remains unclear.

NM_001365479.2(USP40):c.11A>T (p.Asp4Val)

Gene: USP40 (ubiquitin specific peptidase 40; minus strand). Cytogenetic location: 2q37.1.
Variant type: single nucleotide variant.
Coding change: c.11A>T on transcript NM_001365479.2 (MANE Select); coding-DNA position 11, A replaced by T.
Protein change: p.Asp4Val; replaces aspartic acid 4 with valine.
Molecular consequence: missense variant. On other transcripts: non-coding transcript variant (6).
Genome position (GRCh38, 1-based): chr2:233,565,544, T>A on the plus strand (A>T on the coding strand, the complement: USP40 is on the minus strand). VCF-style: chr2-233565544-T-A. GRCh37 (hg19) VCF-style: chr2-234474190-T-A.
Other names: c.11A>T, p.Asp4Val (NM_001382295.1, NM_001382296.1, NM_001382297.1 and 6 more transcripts); short protein forms D4V.
Identifiers: ClinVar variation 2609331 (VCV002609331.2), dbSNP rs889587994, ClinGen allele CA67571823.